The following is an entry in ClinVar:

NM_173728.4(ARHGEF15):c.689G>T (p.Gly230Val)

Gene: ARHGEF15 (Rho guanine nucleotide exchange factor 15; plus strand). Cytogenetic location: 17p13.1.
Variant type: single nucleotide variant.
Coding change: c.689G>T on transcript NM_173728.4 (MANE Select); coding-DNA position 689, G replaced by T.
Protein change: p.Gly230Val; replaces glycine 230 with valine.
Molecular consequence: missense variant.
Genome position (GRCh38, 1-based): chr17:8,313,009, G>T. VCF-style: chr17-8313009-G-T. GRCh37 (hg19) VCF-style: chr17-8216327-G-T.
Other names: c.689G>T, p.Gly230Val (NM_025014.2); short protein forms G230V.
Identifiers: ClinVar variation 4749758 (VCV004749758.1).

ClinVar aggregate classification (germline): Uncertain significance (1 of 4 stars; one submission).

Conditions:
Early-infantile DEE. Also called: Early infantile epileptic encephalopathy; Early infantile epileptic encephalopathy with suppression bursts; Ohtahara syndrome. Identifiers: Orphanet 1934, MedGen C0393706, MONDO:0800491.

gnomAD v4.1: 2 of 1,612,440 alleles (0.00012%); highest among the groups gnomAD compares: East Asian, 0.0022%; no homozygotes.

Submission:

Labcorp Genetics (formerly Invitae), Labcorp
Classification: Uncertain significance for Early-infantile DEE. Last evaluated: 2025-08-29. Review status: criteria provided, single submitter. Criteria: Invitae Variant Classification Sherloc (09022015). Collection method: clinical testing. Allele origin: germline.
Comment: This sequence change replaces glycine, which is neutral and non-polar, with valine, which is neutral and non-polar, at codon 230 of the ARHGEF15 protein (p.Gly230Val). This variant is present in population databases (rs548334478, gnomAD 0.007%). This variant has not been reported in the literature in individuals affected with ARHGEF15-related conditions. An algorithm developed to predict the effect of missense changes on protein structure and function outputs the following: PolyPhen-2: "Benign". The valine amino acid residue is found in multiple mammalian species, which suggests that this missense change does not adversely affect protein function. In summary, the available evidence is currently insufficient to determine the role of this variant in disease. Therefore, it has been classified as a Variant of Uncertain Significance.